The following is an entry in ClinVar:

ClinVar aggregate classification (germline): Conflicting classifications of pathogenicity. Review status: criteria provided, conflicting classifications (1 of 4 stars). 8 submissions from 8 submitters: Uncertain significance (1); Benign (2); Likely benign (4). 1 of the submissions does not count toward it. Last evaluated 2026-05-01.

Conditions:
MAN1B1-related disorder. Also called: MAN1B1-related condition; MAN1B1-related disorders.
Rafiq syndrome (RAFQS). Identifiers: Orphanet 88616, MedGen C3280127, MONDO:0013624, OMIM 614202.
Inborn genetic diseases. Identifiers: MedGen C0950123, MeSH D030342.

Allele frequency attached by ClinVar (database versions not stated): 1000 Genomes Project 0.00060; 1000 Genomes Project 30x 0.00109; ESP Exome Variant Server 0.00110; TOPMed 0.00167; ExAC 0.00193; gnomAD exomes 0.00238 and 0.00242; gnomAD 0.00244 and 0.00259.
gnomAD v4.1: 3,723 of 1,552,362 alleles (0.24%); highest among the groups gnomAD compares: Non-Finnish European, 0.25%; 7 homozygotes.

Submissions (8):

CeGaT Center for Human Genetics Tuebingen
Classification: Benign. Last evaluated: 2026-05-01. Review status: criteria provided, single submitter. Criteria: CeGaT Center For Human Genetics Tuebingen Variant Classification Criteria Version 2. Collection method: clinical testing. Allele origin: germline. Affected: yes. Observed: 9 variant alleles.
Comment: MAN1B1: BP4, BS1, BS2

Labcorp Genetics (formerly Invitae), Labcorp
Classification: Benign for Rafiq syndrome. Last evaluated: 2026-02-01. Review status: criteria provided, single submitter. Criteria: Invitae Variant Classification Sherloc (09022015). Collection method: clinical testing. Allele origin: germline.

Blueprint Genetics
Classification: Likely benign. Last evaluated: 2024-11-26. Review status: criteria provided, single submitter. Criteria: ACMG Guidelines, 2015. Collection method: clinical testing. Allele origin: germline.

Ambry Genetics
Classification: Likely benign for Inborn genetic diseases. Last evaluated: 2018-02-27. Review status: criteria provided, single submitter. Criteria: Ambry Variant Classification Scheme 2023. Collection method: clinical testing. Allele origin: germline.

Illumina Laboratory Services, Illumina
Classification: Uncertain significance for Rafiq syndrome. Last evaluated: 2018-01-12. Review status: criteria provided, single submitter. Criteria: ICSL Variant Classification Criteria 13 December 2019. Collection method: clinical testing. Allele origin: germline.

Center for Pediatric Genomic Medicine, Children's Mercy Hospital and Clinics
Classification: Likely benign. Last evaluated: 2016-12-01. Review status: criteria provided, single submitter. Criteria: ACMG Guidelines, 2015. Collection method: clinical testing. Allele origin: germline.
ClinVar note: Converted during submission from Likely Benign to Likely benign.

Genetic Services Laboratory, University of Chicago
Classification: Likely benign. Last evaluated: 2015-06-30. Review status: criteria provided, single submitter. Criteria: ACMG Guidelines, 2015. Collection method: clinical testing. Allele origin: germline.

PreventionGenetics, part of Exact Sciences
Classification: Likely benign for MAN1B1-related condition. Last evaluated: 2023-11-29. Review status: no assertion criteria provided. Collection method: clinical testing. Allele origin: germline. Not counted in ClinVar's aggregate classification.
Comment: This variant is classified as likely benign based on ACMG/AMP sequence variant interpretation guidelines (Richards et al. 2015 PMID: 25741868, with internal and published modifications).

NM_016219.5(MAN1B1):c.1433A>G (p.Lys478Arg)

Gene: MAN1B1 (mannosidase alpha class 1B member 1; plus strand). Cytogenetic location: 9q34.3.
Variant type: single nucleotide variant.
Coding change: c.1433A>G on transcript NM_016219.5 (MANE Select); coding-DNA position 1433, A replaced by G.
Protein change: p.Lys478Arg; replaces lysine 478 with arginine.
Molecular consequence: missense variant. On other transcripts: non-coding transcript variant (2).
Genome position (GRCh38, 1-based): chr9:137,106,303, A>G. VCF-style: chr9-137106303-A-G. GRCh37 (hg19) VCF-style: chr9-140000755-A-G.
Other names: short protein forms K478R.
Identifiers: ClinVar variation 211420 (VCV000211420.53), dbSNP rs138658585, ClinGen allele CA208596.